The following is an entry in ClinVar:

ClinVar aggregate classification (germline): Benign. Review status: criteria provided, multiple submitters, no conflicts (2 of 4 stars). 11 submissions from 10 submitters: Benign (9). 2 of the submissions do not count toward it. Last evaluated 2026-02-04.

Conditions:
Autosomal dominant familial hematuria-retinal arteriolar tortuosity-contractures syndrome. Also called: Angiopathy, hereditary, with nephropathy, aneurysms, and muscle cramps; Hereditary Angiopathy with Nephropathy, Aneurysms, and Muscle Cramps (HANAC) Syndrome. Identifiers: Orphanet 73229, MedGen C2673195, MONDO:0012726, OMIM 611773.
Brain small vessel disease 1 with or without ocular anomalies (BSVD1). Also called: BRAIN SMALL VESSEL DISEASE WITH HEMORRHAGE; PORENCEPHALY, TYPE 1, AUTOSOMAL DOMINANT; GOULD SYNDROME 1; Brain small vessel disease with or without ocular anomalies. Identifiers: Orphanet 2940, Orphanet 36383, Orphanet 99810, MedGen C4755307, MONDO:0008289, OMIM 175780.

Allele frequency attached by ClinVar (database versions not stated): 1000 Genomes Project 0.37001; 1000 Genomes Project 30x 0.37758; ESP Exome Variant Server 0.39897; TOPMed 0.40382.
gnomAD v4.1: 581,997 of 1,612,834 alleles (36%); highest among the groups gnomAD compares: Admixed American, 48%; 107,411 homozygotes.

Submissions (12):

Labcorp Genetics (formerly Invitae), Labcorp
Classification: Benign. Last evaluated: 2026-02-04. Review status: criteria provided, single submitter. Criteria: Invitae Variant Classification Sherloc (09022015). Collection method: clinical testing. Allele origin: germline.

Blueprint Genetics
Classification: Benign. Last evaluated: 2024-11-27. Review status: criteria provided, single submitter. Criteria: ACMG Guidelines, 2015. Collection method: clinical testing. Allele origin: germline.

Mayo Clinic Laboratories, Mayo Clinic
Classification: Benign. Last evaluated: 2022-04-26. Review status: criteria provided, single submitter. Criteria: ACMG Guidelines, 2015. Collection method: clinical testing. Allele origin: germline. Observed: 733 variant alleles.

Illumina Laboratory Services, Illumina
Classification: Benign for Autosomal dominant familial hematuria-retinal arteriolar tortuosity-contractures syndrome. Last evaluated: 2018-01-13. Review status: criteria provided, single submitter. Criteria: ICSL Variant Classification Criteria 13 December 2019. Collection method: clinical testing. Allele origin: germline.
Comment: This variant was observed in the ICSL laboratory as part of a predisposition screen in an ostensibly healthy population. It had not been previously curated by ICSL or reported in the Human Gene Mutation Database (HGMD: prior to June 1st, 2018), and was therefore a candidate for classification through an automated scoring system. Utilizing variant allele frequency, disease prevalence and penetrance estimates, and inheritance mode, an automated score was calculated to assess if this variant is too frequent to cause the disease. Based on the score and internal cut-off values, a variant classified as benign is not then subjected to further curation. The score for this variant resulted in a classification of benign for this disease.

Illumina Laboratory Services, Illumina
Classification: Benign for Brain small vessel disease 1 with or without ocular anomalies. Last evaluated: 2018-01-13. Review status: criteria provided, single submitter. Criteria: ICSL Variant Classification Criteria 13 December 2019. Collection method: clinical testing. Allele origin: germline.
Comment: the same text as in the submission from Illumina Laboratory Services, Illumina above.

GeneDx
Classification: Benign. Last evaluated: 2017-07-19. Review status: criteria provided, single submitter. Criteria: GeneDx Variant Classification (06012015). Collection method: clinical testing. Allele origin: germline. Affected: yes.
Comment: This variant is considered likely benign or benign based on one or more of the following criteria: it is a conservative change, it occurs at a poorly conserved position in the protein, it is predicted to be benign by multiple in silico algorithms, and/or has population frequency not consistent with disease.

Athena Diagnostics
Classification: Benign for Brain small vessel disease 1 with or without ocular anomalies. Last evaluated: 2017-06-01. Review status: criteria provided, single submitter. Criteria: Athena Diagnostics Criteria. Collection method: clinical testing. Allele origin: germline.

Breakthrough Genomics
Classification: Benign. Review status: criteria provided, single submitter. Criteria: ACMG Guidelines, 2015. Collection method: not provided. Allele origin: germline. Inheritance: Autosomal dominant inheritance. Affected: yes.

PreventionGenetics, part of Exact Sciences
Classification: Benign. Review status: criteria provided, single submitter. Criteria: ACMG Guidelines, 2015. Collection method: clinical testing. Allele origin: germline.

Clinical Genetics DNA and cytogenetics Diagnostics Lab, Erasmus MC, Erasmus Medical Center
Classification: Benign. Review status: no assertion criteria provided. Collection method: clinical testing. Allele origin: germline. Affected: yes. Study: VKGL Data-share Consensus. Not counted in ClinVar's aggregate classification.

Diagnostic Laboratory, Department of Genetics, University Medical Center Groningen
Classification: Benign. Review status: no assertion criteria provided. Collection method: clinical testing. Allele origin: germline. Affected: yes. Study: VKGL Data-share Consensus. Not counted in ClinVar's aggregate classification.

Dr. Peter K. Rogan Lab, Western University
No classification provided (evidence only). Condition: Familial cancer of breast. Review status: no classification provided. Collection method: in vitro. Allele origin: not applicable. Functional consequence: retained intron. Not counted in ClinVar's aggregate classification.

NM_001845.6(COL4A1):c.808-7C>G

Gene: COL4A1 (collagen type IV alpha 1 chain; minus strand). Cytogenetic location: 13q34.
Variant type: single nucleotide variant.
Coding change: c.808-7C>G on transcript NM_001845.6 (MANE Select); 7 bases into the intron before coding-DNA position 808, C replaced by G.
Molecular consequence: intron variant.
Genome position (GRCh38, 1-based): chr13:110,206,722, G>C on the plus strand (C>G on the coding strand, the complement: COL4A1 is on the minus strand). VCF-style: chr13-110206722-G-C. GRCh37 (hg19) VCF-style: chr13-110859069-G-C.
Other names: p.?; c.808-7C>G (NM_001303110.2).
Identifiers: ClinVar variation 258263 (VCV000258263.26), dbSNP rs9588116, ClinGen allele CA7048303.